The following is an entry in ClinVar:

ClinVar aggregate classification (germline): Uncertain significance. Review status: criteria provided, multiple submitters, no conflicts (2 of 4 stars). 2 submissions from 2 submitters: Uncertain significance (2). Last evaluated 2025-05-16.

Conditions:
Gastrointestinal stromal tumor. Also called: Gastrointestinal stroma tumor; Gastrointestinal stromal tumor, somatic. Identifiers: Orphanet 44890, MedGen C0238198, MeSH D046152, MONDO:0011719, OMIM 606764, HP:0100723.
Hereditary cancer-predisposing syndrome. Also called: Tumor predisposition; Hereditary Cancer Syndrome; Hereditary neoplastic syndrome; Neoplastic Syndromes, Hereditary. Identifiers: Orphanet 140162, MedGen C0027672, MeSH D009386, MONDO:0015356.

Submissions (2):

Ambry Genetics
Classification: Uncertain significance for Hereditary cancer-predisposing syndrome. Last evaluated: 2025-05-16. Review status: criteria provided, single submitter. Criteria: Ambry Variant Classification Scheme 2023. Collection method: clinical testing. Allele origin: germline.
Comment: The c.1647+5C>T intronic variant results from a C to T substitution 5 nucleotides after coding exon 10 in the KIT gene. This nucleotide position is well conserved in available vertebrate species. In silico splice site analysis predicts that this alteration will not have any significant effect on splicing. Based on the available evidence, the clinical significance of this variant remains unclear.

Labcorp Genetics (formerly Invitae), Labcorp
Classification: Uncertain significance for Gastrointestinal stromal tumor. Last evaluated: 2020-12-19. Review status: criteria provided, single submitter. Criteria: Invitae Variant Classification Sherloc (09022015). Collection method: clinical testing. Allele origin: germline.
Comment: Nucleotide substitutions within the consensus splice site are a relatively common cause of aberrant splicing (PMID: 17576681, 9536098). Algorithms developed to predict the effect of sequence changes on RNA splicing suggest that this variant may disrupt the consensus splice site, but this prediction has not been confirmed by published transcriptional studies. In summary, the available evidence is currently insufficient to determine the role of this variant in disease. Therefore, it has been classified as a Variant of Uncertain Significance. This variant has not been reported in the literature in individuals with KIT-related conditions. This sequence change falls in intron 10 of the KIT gene. It does not directly change the encoded amino acid sequence of the KIT protein. It affects a nucleotide within the consensus splice site of the intron. This variant is not present in population databases (ExAC no frequency).

Literature cited by the submitters: PubMed 17576681 (cited by Labcorp Genetics (formerly Invitae), Labcorp); PubMed 9536098 (cited by Labcorp Genetics (formerly Invitae), Labcorp).

NM_000222.3(KIT):c.1647+5C>T

Gene: KIT (KIT proto-oncogene, receptor tyrosine kinase; plus strand). Cytogenetic location: 4q12.
Variant type: single nucleotide variant.
Coding change: c.1647+5C>T on transcript NM_000222.3 (MANE Select); 5 bases into the intron after coding-DNA position 1647, C replaced by T.
Molecular consequence: intron variant.
Genome position (GRCh38, 1-based): chr4:54,727,329, C>T. VCF-style: chr4-54727329-C-T. GRCh37 (hg19) VCF-style: chr4-55593495-C-T.
Other names: c.1650+5C>T (NM_001385284.1, NM_001385290.1); c.1638+5C>T (NM_001385288.1, NM_001385292.1); c.1647+5C>T (NM_001385285.1, NM_000222.2); c.1635+5C>T (NM_001093772.2, NM_001385286.1).
Identifiers: ClinVar variation 1357434 (VCV001357434.7), dbSNP rs553336667, ClinGen allele CA1458738624.